The following is an entry in ClinVar:

NM_001040108.2(MLH3):c.2896T>A (p.Ser966Thr)

Gene: MLH3 (mutL homolog 3; minus strand). Cytogenetic location: 14q24.3.
Variant type: single nucleotide variant.
Coding change: c.2896T>A on transcript NM_001040108.2 (MANE Select); coding-DNA position 2896, T replaced by A.
Protein change: p.Ser966Thr; replaces serine 966 with threonine.
Molecular consequence: missense variant.
Genome position (GRCh38, 1-based): chr14:75,046,760, A>T on the plus strand (T>A on the coding strand, the complement: MLH3 is on the minus strand). VCF-style: chr14-75046760-A-T. GRCh37 (hg19) VCF-style: chr14-75513463-A-T.
Other names: c.2896T>A, p.Ser966Thr (NM_014381.3); short protein forms S966T.
Identifiers: ClinVar variation 2763926 (VCV002763926.4), dbSNP rs17782839, ClinGen allele CA390437699.

ClinVar aggregate classification (germline): Uncertain significance. Review status: criteria provided, multiple submitters, no conflicts (2 of 4 stars). 2 submissions from 2 submitters: Uncertain significance (2). Last evaluated 2025-11-14.

Conditions:
Colorectal cancer, hereditary nonpolyposis, type 7. Identifiers: Orphanet 144, MedGen C1858380, MONDO:0013725, OMIM 614385.

gnomAD v4.1: 2 of 1,614,182 alleles (0.00012%); highest among the groups gnomAD compares: Admixed American, 0.0033%; no homozygotes.

Submissions (2):

Ambry Genetics
Classification: Uncertain significance. Last evaluated: 2025-11-14. Review status: criteria provided, single submitter. Criteria: Ambry Variant Classification Scheme 2023. Collection method: clinical testing. Allele origin: germline.
Comment: The p.S966T variant (also known as c.2896T>A), located in coding exon 1 of the MLH3 gene, results from a T to A substitution at nucleotide position 2896. The serine at codon 966 is replaced by threonine, an amino acid with similar properties. This amino acid position is poorly conserved in available vertebrate species. In addition, this alteration is predicted to be tolerated by in silico analysis. The evidence for this gene-disease relationship is limited; therefore, the clinical significance of this alteration is unclear.

Labcorp Genetics (formerly Invitae), Labcorp
Classification: Uncertain significance for Colorectal cancer, hereditary nonpolyposis, type 7. Last evaluated: 2024-04-15. Review status: criteria provided, single submitter. Criteria: Invitae Variant Classification Sherloc (09022015). Collection method: clinical testing. Allele origin: germline.
Comment: This sequence change replaces serine, which is neutral and polar, with threonine, which is neutral and polar, at codon 966 of the MLH3 protein (p.Ser966Thr). This variant is present in population databases (no rsID available, gnomAD 0.003%). This variant has not been reported in the literature in individuals affected with MLH3-related conditions. An algorithm developed to predict the effect of missense changes on protein structure and function (PolyPhen-2) suggests that this variant is likely to be tolerated. In summary, the available evidence is currently insufficient to determine the role of this variant in disease. Therefore, it has been classified as a Variant of Uncertain Significance.